The following is an entry in ClinVar:

NM_001164508.2(NEB):c.5616G>A (p.Pro1872=)

Gene: NEB (nebulin; minus strand). Cytogenetic location: 2q23.3.
Variant type: single nucleotide variant.
Coding change: c.5616G>A on transcript NM_001164508.2 (MANE Select); coding-DNA position 5616, G replaced by A.
Protein change: p.Pro1872=; no amino-acid change (proline 1872 retained).
Molecular consequence: synonymous variant.
Genome position (GRCh38, 1-based): chr2:151,663,695, C>T on the plus strand (G>A on the coding strand, the complement: NEB is on the minus strand). VCF-style: chr2-151663695-C-T. GRCh37 (hg19) VCF-style: chr2-152520209-C-T.
Other names: c.5616G>A, p.Pro1872= (NM_001164507.2, NM_001271208.2, NM_004543.5).
Identifiers: ClinVar variation 465616 (VCV000465616.18), dbSNP rs368371414, ClinGen allele CA1910329.

ClinVar aggregate classification (germline): Conflicting classifications of pathogenicity. Review status: criteria provided, conflicting classifications (1 of 4 stars). 4 submissions from 4 submitters: Uncertain significance (1); Likely benign (3). Last evaluated 2026-01-19.

Conditions:
NEB-related disorder. Also called: NEB-Related Disorders; NEB-related condition.
Nemaline myopathy 2 (NEM2). Also called: Nemaline myopathy 2, autosomal recessive. Identifiers: MedGen C1850569, MONDO:0009725, OMIM 256030.

Allele frequency attached by ClinVar (database versions not stated): gnomAD 0.00007 and 0.00009; TOPMed 0.00007; gnomAD exomes 0.00011 and 0.00012; ESP Exome Variant Server 0.00016; ExAC 0.00017.
gnomAD v4.1: 173 of 1,613,746 alleles (0.011%); highest among the groups gnomAD compares: Middle Eastern, 0.12%; 1 homozygote.

Submissions (4):

Labcorp Genetics (formerly Invitae), Labcorp
Classification: Likely benign for Nemaline myopathy 2. Last evaluated: 2026-01-19. Review status: criteria provided, single submitter. Criteria: Invitae Variant Classification Sherloc (09022015). Collection method: clinical testing. Allele origin: germline.

PreventionGenetics, part of Exact Sciences
Classification: Likely benign for NEB-related condition. Last evaluated: 2025-08-28. Review status: criteria provided, single submitter. Criteria: ACMG Guidelines, 2015. Collection method: clinical testing. Allele origin: germline.
Comment: This variant is classified as likely benign based on ACMG/AMP sequence variant interpretation guidelines (Richards et al. 2015 PMID: 25741868, with internal and published modifications).

Blueprint Genetics
Classification: Likely benign. Last evaluated: 2024-11-14. Review status: criteria provided, single submitter. Criteria: ACMG Guidelines, 2015. Collection method: clinical testing. Allele origin: germline.

Illumina Laboratory Services, Illumina
Classification: Uncertain significance for Nemaline myopathy 2. Last evaluated: 2018-01-12. Review status: criteria provided, single submitter. Criteria: ICSL Variant Classification Criteria 13 December 2019. Collection method: clinical testing. Allele origin: germline.